The following is an entry in ClinVar:

ClinVar aggregate classification (germline): Uncertain significance. Review status: criteria provided, multiple submitters, no conflicts (2 of 4 stars). 5 submissions from 5 submitters: Uncertain significance (4). 1 of the submissions does not count toward it. Last evaluated 2024-12-18.

Conditions:
Neonatal-onset encephalopathy with rigidity and seizures. Also called: Lethal neonatal spasticity-epileptic encephalopathy syndrome. Identifiers: Orphanet 435845, MedGen C3281029, MONDO:0013784, OMIM 614498.
Inborn genetic diseases. Identifiers: MedGen C0950123, MeSH D030342.
Intellectual disability. Also called: intellectual disabilities; Intellectual developmental disorder; Intellectual functioning disability. Identifiers: MedGen C3714756, MeSH D008607, MONDO:0001071, HP:0001249.

Allele frequency attached by ClinVar (database versions not stated): TOPMed 0.00005; 1000 Genomes Project 30x 0.00016; gnomAD 0.00003; ExAC 0.00005.
gnomAD v4.1: 18 of 1,560,696 alleles (0.0012%); highest among the groups gnomAD compares: African/African-American, 0.0081%; no homozygotes.

Submissions (5):

Labcorp Genetics (formerly Invitae), Labcorp
Classification: Uncertain significance for Neonatal-onset encephalopathy with rigidity and seizures. Last evaluated: 2024-12-18. Review status: criteria provided, single submitter. Criteria: Invitae Variant Classification Sherloc (09022015). Collection method: clinical testing. Allele origin: germline.
Comment: This sequence change replaces alanine, which is neutral and non-polar, with valine, which is neutral and non-polar, at codon 388 of the BRAT1 protein (p.Ala388Val). This variant is present in population databases (rs368710298, gnomAD 0.008%). This variant has not been reported in the literature in individuals affected with BRAT1-related conditions. ClinVar contains an entry for this variant (Variation ID: 975187). Invitae Evidence Modeling of protein sequence and biophysical properties (such as structural, functional, and spatial information, amino acid conservation, physicochemical variation, residue mobility, and thermodynamic stability) indicates that this missense variant is not expected to disrupt BRAT1 protein function with a negative predictive value of 95%. In summary, the available evidence is currently insufficient to determine the role of this variant in disease. Therefore, it has been classified as a Variant of Uncertain Significance.

Ambry Genetics
Classification: Uncertain significance for Inborn genetic diseases. Last evaluated: 2021-08-02. Review status: criteria provided, single submitter. Criteria: Ambry Variant Classification Scheme 2023. Collection method: clinical testing. Allele origin: germline.

GeneDx
Classification: Uncertain significance. Last evaluated: 2020-06-11. Review status: criteria provided, single submitter. Criteria: GeneDx Variant Classification Process June 2021. Collection method: clinical testing. Allele origin: germline. Affected: yes.
Comment: Not observed at a significant frequency in large population cohorts (Lek et al., 2016); In silico analysis, which includes protein predictors and evolutionary conservation, supports that this variant does not alter protein structure/function; In silico analysis, which includes splice predictors and evolutionary conservation, suggests this variant may impact gene splicing. In the absence of RNA/functional studies, the actual effect of this sequence change is unknown.; Has not been previously published as pathogenic or benign to our knowledge

Breakthrough Genomics
Classification: Uncertain significance. Review status: criteria provided, single submitter. Criteria: ACMG Guidelines, 2015. Collection method: not provided. Allele origin: germline. Inheritance: Autosomal recessive inheritance. Affected: yes.

Centre de Biologie Pathologie Génétique, Centre Hospitalier Universitaire de Lille
Classification: Likely benign for Intellectual disability. Last evaluated: 2019-01-01. Review status: no assertion criteria provided. Collection method: clinical testing. Allele origin: inherited. Affected: yes. Not counted in ClinVar's aggregate classification.

NM_152743.4(BRAT1):c.1163C>T (p.Ala388Val)

Gene: BRAT1 (BRCA1 associated ATM activator 1; minus strand). Cytogenetic location: 7p22.3.
Variant type: single nucleotide variant.
Coding change: c.1163C>T on transcript NM_152743.4 (MANE Select); coding-DNA position 1163, C replaced by T.
Protein change: p.Ala388Val; replaces alanine 388 with valine.
Molecular consequence: missense variant. On other transcripts: non-coding transcript variant (1).
Genome position (GRCh38, 1-based): chr7:2,541,456, G>A on the plus strand (C>T on the coding strand, the complement: BRAT1 is on the minus strand). VCF-style: chr7-2541456-G-A. GRCh37 (hg19) VCF-style: chr7-2581090-G-A.
Other names: c.1163C>T, p.Ala388Val (NM_001350626.2); c.638C>T, p.Ala213Val (NM_001350627.2); short protein forms A213V, A388V.
Identifiers: ClinVar variation 975187 (VCV000975187.11), dbSNP rs368710298, ClinGen allele CA4127891.